The following is an entry in ClinVar:

ClinVar aggregate classification (germline): Uncertain significance (1 of 4 stars; one submission).

Submission:

Labcorp Genetics (formerly Invitae), Labcorp
Classification: Uncertain significance. Last evaluated: 2024-11-29. Review status: criteria provided, single submitter. Criteria: Invitae Variant Classification Sherloc (09022015). Collection method: clinical testing. Allele origin: germline.
Comment: This sequence change replaces glutamine, which is neutral and polar, with lysine, which is basic and polar, at codon 1581 of the SPTA1 protein (p.Gln1581Lys). This variant is not present in population databases (gnomAD no frequency). This variant has not been reported in the literature in individuals affected with SPTA1-related conditions. Invitae Evidence Modeling of protein sequence and biophysical properties (such as structural, functional, and spatial information, amino acid conservation, physicochemical variation, residue mobility, and thermodynamic stability) indicates that this missense variant is not expected to disrupt SPTA1 protein function with a negative predictive value of 80%. In summary, the available evidence is currently insufficient to determine the role of this variant in disease. Therefore, it has been classified as a Variant of Uncertain Significance.

NM_003126.4(SPTA1):c.4741C>A (p.Gln1581Lys)

Gene: SPTA1 (spectrin alpha, erythrocytic 1; minus strand). Cytogenetic location: 1q23.1.
Variant type: single nucleotide variant.
Coding change: c.4741C>A on transcript NM_003126.4 (MANE Select); coding-DNA position 4741, C replaced by A.
Protein change: p.Gln1581Lys; replaces glutamine 1581 with lysine.
Molecular consequence: missense variant.
Genome position (GRCh38, 1-based): chr1:158,640,004, G>T on the plus strand (C>A on the coding strand, the complement: SPTA1 is on the minus strand). VCF-style: chr1-158640004-G-T. GRCh37 (hg19) VCF-style: chr1-158609794-G-T.
Other names: short protein forms Q1581K.
Identifiers: ClinVar variation 3679993 (VCV003679993.2).